The following is an entry in ClinVar:

ClinVar aggregate classification (germline): Uncertain significance. Review status: criteria provided, multiple submitters, no conflicts (2 of 4 stars). 2 submissions from 2 submitters: Uncertain significance (2). Last evaluated 2025-02-26.

Conditions:
Inborn genetic diseases. Identifiers: MedGen C0950123, MeSH D030342.

Allele frequency attached by ClinVar (database versions not stated): gnomAD exomes below 0.00001.
gnomAD v4.1: 2 of 1,613,690 alleles (0.00012%); highest among the groups gnomAD compares: African/African-American, 0.0013%; no homozygotes.

Submissions (2):

Ambry Genetics
Classification: Uncertain significance for Inborn genetic diseases. Last evaluated: 2025-02-26. Review status: criteria provided, single submitter. Criteria: Ambry Variant Classification Scheme 2023. Collection method: clinical testing. Allele origin: germline.

Labcorp Genetics (formerly Invitae), Labcorp
Classification: Uncertain significance. Last evaluated: 2023-08-04. Review status: criteria provided, single submitter. Criteria: Invitae Variant Classification Sherloc (09022015). Collection method: clinical testing. Allele origin: germline.
Comment: This sequence change replaces proline, which is neutral and non-polar, with arginine, which is basic and polar, at codon 4895 of the PCLO protein (p.Pro4895Arg). This variant is not present in population databases (gnomAD no frequency). This variant has not been reported in the literature in individuals affected with PCLO-related conditions. ClinVar contains an entry for this variant (Variation ID: 1498459). Experimental studies and prediction algorithms are not available or were not evaluated, and the functional significance of this variant is currently unknown. In summary, the available evidence is currently insufficient to determine the role of this variant in disease. Therefore, it has been classified as a Variant of Uncertain Significance.

NM_033026.6(PCLO):c.14684C>G (p.Pro4895Arg)

Gene: PCLO (piccolo presynaptic cytomatrix protein; minus strand). Cytogenetic location: 7q21.11.
Variant type: single nucleotide variant.
Coding change: c.14684C>G on transcript NM_033026.6 (MANE Select); coding-DNA position 14684, C replaced by G.
Protein change: p.Pro4895Arg; replaces proline 4895 with arginine.
Molecular consequence: missense variant.
Genome position (GRCh38, 1-based): chr7:82,822,602, G>C on the plus strand (C>G on the coding strand, the complement: PCLO is on the minus strand). VCF-style: chr7-82822602-G-C. GRCh37 (hg19) VCF-style: chr7-82451918-G-C.
Other names: c.14684C>G, p.Pro4895Arg (NM_014510.3); c.14684C>G (NM_033026.5); short protein forms P4895R.
Identifiers: ClinVar variation 1498459 (VCV001498459.7), dbSNP rs992283449, ClinGen allele CA161693287.